The following is an entry in ClinVar:

ClinVar aggregate classification (germline): Uncertain significance. Review status: criteria provided, single submitter (1 of 4 stars). 2 submissions from 2 submitters: Uncertain significance (1). 1 of the submissions does not count toward it. Last evaluated 2024-03-07.

Conditions:
Hereditary cancer-predisposing syndrome. Also called: Hereditary Cancer Syndrome; Hereditary neoplastic syndrome; Neoplastic Syndromes, Hereditary; Tumor predisposition. Identifiers: Orphanet 140162, MedGen C0027672, MeSH D009386, MONDO:0015356.
Ataxia-telangiectasia syndrome (AT). Also called: Ataxia-telangiectasia, complementation group E; LOUIS-BAR SYNDROME; Cerebello-oculocutaneous telangiectasia; Immunodeficiency with ataxia telangiectasia; Ataxia-telangiectasia, complementation group D; AT, COMPLEMENTATION GROUP C. Identifiers: Orphanet 100, MedGen C0004135, MONDO:0008840, OMIM 208900.

Submissions (2):

Color Diagnostics, LLC DBA Color Health
Classification: Uncertain significance for Hereditary cancer-predisposing syndrome. Last evaluated: 2024-03-07. Review status: criteria provided, single submitter. Criteria: ACMG Guidelines, 2015. Collection method: clinical testing. Allele origin: germline.
Comment: This missense variant replaces leucine with arginine at codon 1111 of the ATM protein. Computational prediction is inconclusive regarding the impact of this variant on protein structure and function (internally defined REVEL score threshold 0.5 < inconclusive < 0.7, PMID: 27666373). Splice site prediction tools suggest that this variant may not impact RNA splicing. To our knowledge, functional studies have not been performed for this variant. This variant has not been reported in individuals affected with hereditary cancer in the literature. This variant has not been identified in the general population by the Genome Aggregation Database (gnomAD). The available evidence is insufficient to determine the role of this variant in disease conclusively. Therefore, this variant is classified as a Variant of Uncertain Significance.

Natera, Inc.
Classification: Uncertain significance for Ataxia-telangiectasia. Last evaluated: 2025-03-28. Review status: no assertion criteria provided. Collection method: clinical testing. Allele origin: germline. Not counted in ClinVar's aggregate classification.

NM_000051.4(ATM):c.3332T>G (p.Leu1111Arg)

Gene: ATM (ATM serine/threonine kinase; plus strand). Cytogenetic location: 11q22.3.
Variant type: single nucleotide variant.
Coding change: c.3332T>G on transcript NM_000051.4 (MANE Select); coding-DNA position 3332, T replaced by G.
Protein change: p.Leu1111Arg; replaces leucine 1111 with arginine.
Molecular consequence: missense variant.
Genome position (GRCh38, 1-based): chr11:108,279,538, T>G. VCF-style: chr11-108279538-T-G. GRCh37 (hg19) VCF-style: chr11-108150265-T-G.
Other names: c.3332T>G, p.Leu1111Arg (NM_001351834.2); short protein forms L1111R.
Identifiers: ClinVar variation 920345 (VCV000920345.5), dbSNP rs876658363, ClinGen allele CA382517561.
Genomic context (GRCh38, chr11:108,279,538, plus strand): 5'-TGCTTGTTTTAAGATTGTTCCAGGACACGAAGGGAGATTCTTCCAGGTTACTGAAAGCAC[T>G]TCCTTTGAAGCTTCAGCAAACAGCTTTTGAAAATGCATACTTGAAAGCTCAGGAAGGAAT-3'
Protein context (NP_000042.3, residues 1101-1121): KGDSSRLLKA[Leu1111Arg]PLKLQQTAFE